The following is an entry in ClinVar:

NM_001035.3(RYR2):c.1674G>A (p.Leu558=)

Gene: RYR2 (ryanodine receptor 2; plus strand). Cytogenetic location: 1q43.
Variant type: single nucleotide variant.
Coding change: c.1674G>A on transcript NM_001035.3 (MANE Select); coding-DNA position 1674, G replaced by A.
Protein change: p.Leu558=; no amino-acid change (leucine 558 retained).
Molecular consequence: synonymous variant.
Genome position (GRCh38, 1-based): chr1:237,469,153, G>A. VCF-style: chr1-237469153-G-A. GRCh37 (hg19) VCF-style: chr1-237632453-G-A.
Other names: c.1674G>A (NM_001035.2).
Identifiers: ClinVar variation 1171497 (VCV001171497.10), dbSNP rs1324895345, ClinGen allele CA423813369.

ClinVar aggregate classification (germline): Likely benign. Review status: criteria provided, multiple submitters, no conflicts (2 of 4 stars). 4 submissions from 4 submitters: Likely benign (4). Last evaluated 2025-07-09.

Conditions:
Catecholaminergic polymorphic ventricular tachycardia 1. Also called: VENTRICULAR TACHYCARDIA, STRESS-INDUCED POLYMORPHIC 1; VENTRICULAR TACHYCARDIA, CATECHOLAMINERGIC POLYMORPHIC, 1, WITH OR WITHOUT ATRIAL DYSFUNCTION AND/OR DILATED CARDIOMYOPATHY; RYR2-Related Catecholaminergic Polymorphic Ventricular Tachycardia. Identifiers: Orphanet 3286, MedGen C1631597, MONDO:0011484, OMIM 604772.
Cardiovascular phenotype. Identifiers: MedGen CN230736.
Catecholaminergic polymorphic ventricular tachycardia (CVPT). Also called: Catecholamine-induced polymorphic ventricular tachycardia. Identifiers: Orphanet 3286, MedGen C5574922, MONDO:0017990.
Cardiomyopathy (CMYO). Also called: Cardiomyopathies. Identifiers: Orphanet 167848, MedGen C0878544, MONDO:0004994, HP:0001638. Inheritance: Various modes of inheritance.

Allele frequency attached by ClinVar (database versions not stated): gnomAD 0.00003.
gnomAD v4.1: 7 of 1,603,758 alleles (0.00044%); highest among the groups gnomAD compares: African/African-American, 0.0081%; no homozygotes.

Submissions (4):

Labcorp Genetics (formerly Invitae), Labcorp
Classification: Likely benign for Catecholaminergic polymorphic ventricular tachycardia 1. Last evaluated: 2025-07-09. Review status: criteria provided, single submitter. Criteria: Invitae Variant Classification Sherloc (09022015). Collection method: clinical testing. Allele origin: germline.

All of Us Research Program, National Institutes of Health
Classification: Likely benign for Catecholaminergic polymorphic ventricular tachycardia. Last evaluated: 2023-08-15. Review status: criteria provided, single submitter. Criteria: ACMG Guidelines, 2015. Collection method: clinical testing. Allele origin: germline. Inheritance: Autosomal dominant inheritance. Observed: 1 variant allele, 1 heterozygote.
Comment: This study involves interpretation of variants in research participants for the purpose of population health screening. Participant phenotype was not available at the time of variant classification. Additional details can be found in publication PMID: 35346344, PMCID: PMC8962531

Ambry Genetics
Classification: Likely benign for Cardiovascular phenotype. Last evaluated: 2022-08-20. Review status: criteria provided, single submitter. Criteria: Ambry Variant Classification Scheme 2023. Collection method: clinical testing. Allele origin: germline.

Color Diagnostics, LLC DBA Color Health
Classification: Likely benign for Cardiomyopathy. Last evaluated: 2021-02-16. Review status: criteria provided, single submitter. Criteria: ACMG Guidelines, 2015. Collection method: clinical testing. Allele origin: germline.